The following is an entry in ClinVar:

NM_020928.2(ZSWIM6):c.3554G>A (p.Gly1185Glu)

Gene: ZSWIM6 (zinc finger SWIM-type containing 6; plus strand). Cytogenetic location: 5q12.1.
Variant type: single nucleotide variant.
Coding change: c.3554G>A on transcript NM_020928.2 (MANE Select); coding-DNA position 3554, G replaced by A.
Protein change: p.Gly1185Glu; replaces glycine 1185 with glutamic acid.
Molecular consequence: missense variant.
Genome position (GRCh38, 1-based): chr5:61,544,223, G>A. VCF-style: chr5-61544223-G-A. GRCh37 (hg19) VCF-style: chr5-60840050-G-A.
Other names: short protein forms G1185E.
Identifiers: ClinVar variation 2571223 (VCV002571223.27), dbSNP rs2478410010, ClinGen allele CA359947869.

ClinVar aggregate classification (germline): Uncertain significance (1 of 4 stars; one submission).

Submission:

CeGaT Center for Human Genetics Tuebingen
Classification: Uncertain significance. Last evaluated: 2023-04-01. Review status: criteria provided, single submitter. Criteria: CeGaT Center For Human Genetics Tuebingen Variant Classification Criteria Version 2. Collection method: clinical testing. Allele origin: germline. Affected: yes. Observed: 1 variant allele.
Comment: ZSWIM6: PM2, PP2, PP3